The following is an entry in ClinVar:

ClinVar aggregate classification (germline): Uncertain significance (1 of 4 stars; one submission).

Conditions:
Short-rib thoracic dysplasia 11 with or without polydactyly (SRTD11). Also called: SHORT-RIB THORACIC DYSPLASIA 11 WITHOUT POLYDACTYLY. Identifiers: Orphanet 474, Orphanet 93271, MedGen C3810200, MONDO:0014287, OMIM 615633.

Allele frequency attached by ClinVar (database versions not stated): TOPMed below 0.00001; gnomAD 0.00001.
gnomAD v4.1: 4 of 1,509,912 alleles (0.00026%); highest among the groups gnomAD compares: Non-Finnish European, 0.00035%; no homozygotes.

Submission:

Labcorp Genetics (formerly Invitae), Labcorp
Classification: Uncertain significance for Short-rib thoracic dysplasia 11 with or without polydactyly. Last evaluated: 2022-06-13. Review status: criteria provided, single submitter. Criteria: Invitae Variant Classification Sherloc (09022015). Collection method: clinical testing. Allele origin: germline.
Comment: In summary, the available evidence is currently insufficient to determine the role of this variant in disease. Therefore, it has been classified as a Variant of Uncertain Significance. Algorithms developed to predict the effect of missense changes on protein structure and function output the following: SIFT: "Deleterious"; PolyPhen-2: "Benign"; Align-GVGD: "Class C0". The valine amino acid residue is found in multiple mammalian species, which suggests that this missense change does not adversely affect protein function. ClinVar contains an entry for this variant (Variation ID: 1041764). This variant has not been reported in the literature in individuals affected with WDR34-related conditions. This variant is present in population databases (no rsID available, gnomAD 0.007%). This sequence change replaces alanine, which is neutral and non-polar, with valine, which is neutral and non-polar, at codon 20 of the WDR34 protein (p.Ala20Val).

NM_052844.4(DYNC2I2):c.59C>T (p.Ala20Val)

Gene: DYNC2I2 (dynein 2 intermediate chain 2; minus strand). Cytogenetic location: 9q34.11.
Variant type: single nucleotide variant.
Coding change: c.59C>T on transcript NM_052844.4 (MANE Select); coding-DNA position 59, C replaced by T.
Protein change: p.Ala20Val; replaces alanine 20 with valine.
Molecular consequence: missense variant.
Genome position (GRCh38, 1-based): chr9:128,656,668, G>A on the plus strand (C>T on the coding strand, the complement: DYNC2I2 is on the minus strand). VCF-style: chr9-128656668-G-A. GRCh37 (hg19) VCF-style: chr9-131418947-G-A.
Other names: short protein forms A20V.
Identifiers: ClinVar variation 1041764 (VCV001041764.8), dbSNP rs1377064833, ClinGen allele CA375051587.